The following is an entry in ClinVar:

NM_020458.4(TTC7A):c.1125C>A (p.Ser375Arg)

Gene: TTC7A (tetratricopeptide repeat domain 7A; plus strand). Cytogenetic location: 2p21.
Variant type: single nucleotide variant.
Coding change: c.1125C>A on transcript NM_020458.4 (MANE Select); coding-DNA position 1125, C replaced by A.
Protein change: p.Ser375Arg; replaces serine 375 with arginine.
Molecular consequence: missense variant.
Genome position (GRCh38, 1-based): chr2:47,005,981, C>A. VCF-style: chr2-47005981-C-A. GRCh37 (hg19) VCF-style: chr2-47233120-C-A.
Other names: c.1125C>A, p.Ser375Arg (NM_001288951.2); c.1023C>A, p.Ser341Arg (NM_001288953.2); c.63C>A, p.Ser21Arg (NM_001288955.2); short protein forms S375R, S21R, S341R.
Identifiers: ClinVar variation 968759 (VCV000968759.7), dbSNP rs144037049, ClinGen allele CA346714176.

ClinVar aggregate classification (germline): Uncertain significance (1 of 4 stars; one submission).

Conditions:
Multiple gastrointestinal atresias. Also called: Multiple intestinal atresia; FAMILIAL INTESTINAL POLYATRESIA SYNDROME. Identifiers: Orphanet 2300, MedGen C0220744, MONDO:0009465.

Submission:

Labcorp Genetics (formerly Invitae), Labcorp
Classification: Uncertain significance for Multiple gastrointestinal atresias. Last evaluated: 2021-08-31. Review status: criteria provided, single submitter. Criteria: Invitae Variant Classification Sherloc (09022015). Collection method: clinical testing. Allele origin: germline.
Comment: This sequence change replaces serine with arginine at codon 375 of the TTC7A protein (p.Ser375Arg). The serine residue is moderately conserved and there is a moderate physicochemical difference between serine and arginine. This variant is not present in population databases (ExAC no frequency). This variant has not been reported in the literature in individuals affected with TTC7A-related conditions. Algorithms developed to predict the effect of missense changes on protein structure and function are either unavailable or do not agree on the potential impact of this missense change (SIFT: "Deleterious"; PolyPhen-2: "Probably Damaging"; Align-GVGD: "Class C0"). In summary, the available evidence is currently insufficient to determine the role of this variant in disease. Therefore, it has been classified as a Variant of Uncertain Significance.